The following is an entry in ClinVar:

NM_152296.5(ATP1A3):c.2974G>T (p.Asp992Tyr)

Gene: ATP1A3 (ATPase Na+/K+ transporting subunit alpha 3; minus strand). Cytogenetic location: 19q13.2.
Variant type: single nucleotide variant.
Coding change: c.2974G>T on transcript NM_152296.5 (MANE Select); coding-DNA position 2974, G replaced by T.
Protein change: p.Asp992Tyr; replaces aspartic acid 992 with tyrosine.
Molecular consequence: missense variant.
Genome position (GRCh38, 1-based): chr19:41,967,288, C>A on the plus strand (G>T on the coding strand, the complement: ATP1A3 is on the minus strand). VCF-style: chr19-41967288-C-A. GRCh37 (hg19) VCF-style: chr19-42471440-C-A.
Other names: c.3007G>T, p.Asp1003Tyr (NM_001256213.2); c.3013G>T, p.Asp1005Tyr (NM_001256214.2); c.2974G>T (NM_152296.4); short protein forms D992Y, D1003Y, D1005Y.
Identifiers: ClinVar variation 3900207 (VCV003900207.1), dbSNP rs606231447.

ClinVar aggregate classification (germline): Likely pathogenic (1 of 4 stars; one submission).

Submission:

GeneDx
Classification: Likely pathogenic. Last evaluated: 2024-11-25. Review status: criteria provided, single submitter. Criteria: GeneDx Variant Classification Process June 2021. Collection method: clinical testing. Allele origin: germline. Affected: yes.
Comment: Not observed at significant frequency in large population cohorts (gnomAD); In silico analysis supports that this missense variant has a deleterious effect on protein structure/function; This variant is associated with the following publications: (PMID: 25447930, 26417536, 33762331, 29396171, 31709820, 24523486, 34612482, 23409136, 24842602, 29305691, 27577505, 22842232, 24739246, 39088707, 36538131)